The following is an entry in ClinVar:

NM_020779.4(WDR35):c.399A>G (p.Val133=)

Gene: WDR35 (WD repeat domain 35; minus strand). Cytogenetic location: 2p24.1.
Variant type: single nucleotide variant.
Coding change: c.399A>G on transcript NM_020779.4 (MANE Select); coding-DNA position 399, A replaced by G.
Protein change: p.Val133=; no amino-acid change (valine 133 retained).
Molecular consequence: synonymous variant.
Genome position (GRCh38, 1-based): chr2:19,978,788, T>C on the plus strand (A>G on the coding strand, the complement: WDR35 is on the minus strand). VCF-style: chr2-19978788-T-C. GRCh37 (hg19) VCF-style: chr2-20178549-T-C.
Other names: c.399A>G, p.Val133= (NM_001006657.2).
Identifiers: ClinVar variation 3031086 (VCV003031086.4), dbSNP rs538156388, ClinGen allele CA1543541.

ClinVar aggregate classification (germline): Likely benign. Review status: criteria provided, single submitter (1 of 4 stars). 2 submissions from 2 submitters: Likely benign (1). 1 of the submissions does not count toward it. Last evaluated 2024-04-11.

Conditions:
WDR35-related disorder. Also called: WDR35-related condition; WDR35-related disorders. Identifiers: MedGen CN239419.
Cranioectodermal dysplasia 2 (CED2). Identifiers: Orphanet 1515, MedGen C3150874, MONDO:0013323, OMIM 613610.
Short-rib thoracic dysplasia 7 with or without polydactyly (SRTD7). Also called: Short rib polydactyly syndrome 5; SHORT-RIB THORACIC DYSPLASIA 7 WITH POLYDACTYLY. Identifiers: Orphanet 498497, Orphanet 93271, MedGen C3279792, MONDO:0013569, OMIM 614091.

Allele frequency attached by ClinVar (database versions not stated): TOPMed 0.00001; gnomAD 0.00003; ExAC 0.00016; 1000 Genomes Project 0.00040; 1000 Genomes Project 30x 0.00047.
gnomAD v4.1: 138 of 1,613,900 alleles (0.0086%); highest among the groups gnomAD compares: South Asian, 0.13%; 1 homozygote.

Submissions (2):

Labcorp Genetics (formerly Invitae), Labcorp
Classification: Likely benign for Cranioectodermal dysplasia 2; Short-rib thoracic dysplasia 7 with or without polydactyly. Last evaluated: 2024-04-11. Review status: criteria provided, single submitter. Criteria: Invitae Variant Classification Sherloc (09022015). Collection method: clinical testing. Allele origin: germline.

PreventionGenetics, part of Exact Sciences
Classification: Likely benign for WDR35-related condition. Last evaluated: 2023-01-31. Review status: no assertion criteria provided. Collection method: clinical testing. Allele origin: germline. Not counted in ClinVar's aggregate classification.
Comment: This variant is classified as likely benign based on ACMG/AMP sequence variant interpretation guidelines (Richards et al. 2015 PMID: 25741868, with internal and published modifications).